The following is an entry in ClinVar:

ClinVar aggregate classification (germline): Benign. Review status: criteria provided, multiple submitters, no conflicts (2 of 4 stars). 2 submissions from 2 submitters: Benign (2). Last evaluated 2016-03-29.

Allele frequency attached by ClinVar (database versions not stated): 1000 Genomes Project 0.14856; 1000 Genomes Project 30x 0.15178; TOPMed 0.21973; gnomAD 0.22193 and 0.22295; ESP Exome Variant Server 0.23335; ExAC 0.24808; gnomAD exomes 0.25144 and 0.27233.
gnomAD v4.1: 432,113 of 1,613,586 alleles (27%); highest among the groups gnomAD compares: Middle Eastern, 37%; 61,885 homozygotes.

Submissions (2):

Laboratory for Molecular Medicine, Mass General Brigham Personalized Medicine
Classification: Benign. Last evaluated: 2016-03-29. Review status: criteria provided, single submitter. Criteria: LMM Criteria. Collection method: clinical testing. Allele origin: germline.
Comment: Variant identified in a genome or exome case(s) and assessed due to predicted null impact of the variant or pathogenic assertions in the literature or databases. Disclaimer: This variant has not undergone full assessment. The following are preliminary notes: Frequency

Breakthrough Genomics
Classification: Benign. Review status: criteria provided, single submitter. Criteria: ACMG Guidelines, 2015. Collection method: not provided. Allele origin: germline. Inheritance: Unknown mechanism. Affected: yes.

NM_012263.5(TTLL1):c.720C>T (p.Leu240=)

Gene: TTLL1 (TTL family tubulin polyglutamylase complex subunit L1; minus strand). Cytogenetic location: 22q13.2.
Variant type: single nucleotide variant.
Coding change: c.720C>T on transcript NM_012263.5 (MANE Select); coding-DNA position 720, C replaced by T.
Protein change: p.Leu240=; no amino-acid change (leucine 240 retained).
Molecular consequence: synonymous variant. On other transcripts: non-coding transcript variant (1).
Genome position (GRCh38, 1-based): chr22:43,063,840, G>A on the plus strand (C>T on the coding strand, the complement: TTLL1 is on the minus strand). VCF-style: chr22-43063840-G-A. GRCh37 (hg19) VCF-style: chr22-43459846-G-A.
Identifiers: ClinVar variation 403580 (VCV000403580.5), dbSNP rs1052160, ClinGen allele CA10271857.